The following is an entry in ClinVar:

ClinVar aggregate classification (germline): Uncertain significance. Review status: criteria provided, multiple submitters, no conflicts (2 of 4 stars). 2 submissions from 2 submitters: Uncertain significance (2). Last evaluated 2022-02-08.

Conditions:
Multiple gastrointestinal atresias. Also called: FAMILIAL INTESTINAL POLYATRESIA SYNDROME; Multiple intestinal atresia. Identifiers: Orphanet 2300, MedGen C0220744, MONDO:0009465.

Allele frequency attached by ClinVar (database versions not stated): gnomAD exomes 0.00001; TOPMed 0.00001; ExAC 0.00002; gnomAD 0.00003; 1000 Genomes Project 30x 0.00016; 1000 Genomes Project 0.00020.

Submissions (2):

Labcorp Genetics (formerly Invitae), Labcorp
Classification: Uncertain significance for Multiple gastrointestinal atresias. Last evaluated: 2022-02-08. Review status: criteria provided, single submitter. Criteria: Invitae Variant Classification Sherloc (09022015). Collection method: clinical testing. Allele origin: germline.
Comment: This sequence change replaces arginine, which is basic and polar, with glutamine, which is neutral and polar, at codon 751 of the TTC7A protein (p.Arg751Gln). This variant is present in population databases (rs549475664, gnomAD 0.003%). This variant has not been reported in the literature in individuals affected with TTC7A-related conditions. Algorithms developed to predict the effect of missense changes on protein structure and function are either unavailable or do not agree on the potential impact of this missense change (SIFT: "Tolerated"; PolyPhen-2: "Probably Damaging"; Align-GVGD: "Class C0"). Algorithms developed to predict the effect of sequence changes on RNA splicing suggest that this variant may create or strengthen a splice site. In summary, the available evidence is currently insufficient to determine the role of this variant in disease. Therefore, it has been classified as a Variant of Uncertain Significance.

Breakthrough Genomics
Classification: Uncertain significance. Review status: criteria provided, single submitter. Criteria: ACMG Guidelines, 2015. Collection method: not provided. Allele origin: germline. Inheritance: Autosomal recessive inheritance. Affected: yes.

NM_020458.4(TTC7A):c.2252G>A (p.Arg751Gln)

Gene: TTC7A (tetratricopeptide repeat domain 7A; plus strand). Cytogenetic location: 2p21.
Variant type: single nucleotide variant.
Coding change: c.2252G>A on transcript NM_020458.4 (MANE Select); coding-DNA position 2252, G replaced by A.
Protein change: p.Arg751Gln; replaces arginine 751 with glutamine.
Molecular consequence: missense variant.
Genome position (GRCh38, 1-based): chr2:47,060,868, G>A. VCF-style: chr2-47060868-G-A. GRCh37 (hg19) VCF-style: chr2-47288007-G-A.
Other names: c.2324G>A, p.Arg775Gln (NM_001288951.2); c.2150G>A, p.Arg717Gln (NM_001288953.2); c.1190G>A, p.Arg397Gln (NM_001288955.2); short protein forms R397Q, R717Q, R751Q, R775Q.
Identifiers: ClinVar variation 1923212 (VCV001923212.3), dbSNP rs549475664, ClinGen allele CA1648077.